The following is an entry in ClinVar:

ClinVar aggregate classification (germline): Uncertain significance (1 of 4 stars; one submission).

Allele frequency attached by ClinVar (database versions not stated): ExAC 0.00001.

Submission:

Labcorp Genetics (formerly Invitae), Labcorp
Classification: Uncertain significance. Last evaluated: 2024-05-22. Review status: criteria provided, single submitter. Criteria: Invitae Variant Classification Sherloc (09022015). Collection method: clinical testing. Allele origin: germline.
Comment: This sequence change replaces lysine, which is basic and polar, with asparagine, which is neutral and polar, at codon 2538 of the VCAN protein (p.Lys2538Asn). This variant is present in population databases (rs753743554, gnomAD 0.0009%). This variant has not been reported in the literature in individuals affected with VCAN-related conditions. ClinVar contains an entry for this variant (Variation ID: 1376936). An algorithm developed to predict the effect of missense changes on protein structure and function (PolyPhen-2) suggests that this variant is likely to be tolerated. In summary, the available evidence is currently insufficient to determine the role of this variant in disease. Therefore, it has been classified as a Variant of Uncertain Significance.

NM_004385.5(VCAN):c.7614A>C (p.Lys2538Asn)

Genes: VCAN (versican; plus strand), VCAN-AS1 (VCAN antisense RNA 1; minus strand). Cytogenetic location: 5q14.3.
Variant type: single nucleotide variant.
Coding change: c.7614A>C on transcript NM_004385.5 (MANE Select); coding-DNA position 7614, A replaced by C.
Protein change: p.Lys2538Asn; replaces lysine 2538 with asparagine.
Molecular consequence: missense variant. On other transcripts: intron variant (2).
Genome position (GRCh38, 1-based): chr5:83,540,617, A>C. VCF-style: chr5-83540617-A-C. GRCh37 (hg19) VCF-style: chr5-82836436-A-C.
Other names: c.1043-4920A>C (NM_001126336.3); c.4653A>C, p.Lys1551Asn (NM_001164097.2); c.4004-4920A>C (NM_001164098.2); short protein forms K1551N, K2538N.
Identifiers: ClinVar variation 1376936 (VCV001376936.6), dbSNP rs753743554, ClinGen allele CA3333669.